The following is an entry in ClinVar:

NM_183357.3(ADCY5):c.6C>G (p.Ser2=)

Gene: ADCY5 (adenylate cyclase 5; minus strand). Cytogenetic location: 3q21.1.
Variant type: single nucleotide variant.
Coding change: c.6C>G on transcript NM_183357.3 (MANE Select); coding-DNA position 6, C replaced by G.
Protein change: p.Ser2=; no amino-acid change (serine 2 retained).
Molecular consequence: synonymous variant.
Genome position (GRCh38, 1-based): chr3:123,448,540, G>C on the plus strand (C>G on the coding strand, the complement: ADCY5 is on the minus strand). VCF-style: chr3-123448540-G-C. GRCh37 (hg19) VCF-style: chr3-123167387-G-C.
Other names: c.6C>G, p.Ser2= (NM_001378259.1).
Identifiers: ClinVar variation 2654081 (VCV002654081.24), dbSNP rs2473330967, ClinGen allele CA435438390.

ClinVar aggregate classification (germline): Likely benign (1 of 4 stars; one submission).

Submission:

CeGaT Center for Human Genetics Tuebingen
Classification: Likely benign. Last evaluated: 2023-02-01. Review status: criteria provided, single submitter. Criteria: CeGaT Center For Human Genetics Tuebingen Variant Classification Criteria Version 2. Collection method: clinical testing. Allele origin: germline. Affected: yes. Observed: 1 variant allele.
Comment: ADCY5: PM2:Supporting, BP4, BP7